The following is an entry in ClinVar:

NM_025074.7(FRAS1):c.11683G>A (p.Val3895Ile)

Gene: FRAS1 (Fraser extracellular matrix complex subunit 1; plus strand). Cytogenetic location: 4q21.21.
Variant type: single nucleotide variant.
Coding change: c.11683G>A on transcript NM_025074.7 (MANE Select); coding-DNA position 11683, G replaced by A.
Protein change: p.Val3895Ile; replaces valine 3895 with isoleucine.
Molecular consequence: missense variant.
Genome position (GRCh38, 1-based): chr4:78,540,768, G>A. VCF-style: chr4-78540768-G-A. GRCh37 (hg19) VCF-style: chr4-79461922-G-A.
Other names: c.11683G>A (NM_025074.6); short protein forms V3895I.
Identifiers: ClinVar variation 285531 (VCV000285531.8), dbSNP rs370511192, ClinGen allele CA2979276.
Genomic context (GRCh38, chr4:78,540,768, plus strand): 5'-GACCAAGTCAAGAATGGCACCAATATGAAGTCCCTGAATCTGGAGATGCAAGAGTTGGCG[G>A]TAGCTGCGTCCCTGTCACAGACTGGGGCGTCCATTGGCAGTGCCCTGGCTGCAATCATGC-3'
Protein context (NP_079350.5, residues 3885-3905): SLNLEMQELA[Val3895Ile]AASLSQTGAS

ClinVar aggregate classification (germline): Uncertain significance. Review status: criteria provided, multiple submitters, no conflicts (2 of 4 stars). 4 submissions from 4 submitters: Uncertain significance (4). Last evaluated 2023-06-20.

Conditions:
Inborn genetic diseases. Identifiers: MedGen C0950123, MeSH D030342.

Allele frequency attached by ClinVar (database versions not stated): ESP Exome Variant Server 0.00008; gnomAD exomes 0.00015; ExAC 0.00017; TOPMed 0.00018; gnomAD 0.00019.
gnomAD v4.1: 235 of 1,613,814 alleles (0.015%); highest among the groups gnomAD compares: Middle Eastern, 0.05%; no homozygotes.

Submissions (4):

GeneDx
Classification: Uncertain significance. Last evaluated: 2023-06-20. Review status: criteria provided, single submitter. Criteria: GeneDx Variant Classification Process June 2021. Collection method: clinical testing. Allele origin: germline. Affected: yes.
Comment: In silico analysis supports that this missense variant does not alter protein structure/function; Has not been previously published as pathogenic or benign to our knowledge

Labcorp Genetics (formerly Invitae), Labcorp
Classification: Uncertain significance. Last evaluated: 2022-10-05. Review status: criteria provided, single submitter. Criteria: Invitae Variant Classification Sherloc (09022015). Collection method: clinical testing. Allele origin: germline.
Comment: This sequence change replaces valine, which is neutral and non-polar, with isoleucine, which is neutral and non-polar, at codon 3895 of the FRAS1 protein (p.Val3895Ile). This variant is present in population databases (rs370511192, gnomAD 0.03%). This variant has not been reported in the literature in individuals affected with FRAS1-related conditions. ClinVar contains an entry for this variant (Variation ID: 285531). Algorithms developed to predict the effect of missense changes on protein structure and function output the following: SIFT: "Tolerated"; PolyPhen-2: "Benign"; Align-GVGD: "Class C0". The isoleucine amino acid residue is found in multiple mammalian species, which suggests that this missense change does not adversely affect protein function. In summary, the available evidence is currently insufficient to determine the role of this variant in disease. Therefore, it has been classified as a Variant of Uncertain Significance.

Ambry Genetics
Classification: Uncertain significance for Inborn genetic diseases. Last evaluated: 2021-09-16. Review status: criteria provided, single submitter. Criteria: Ambry Variant Classification Scheme 2023. Collection method: clinical testing. Allele origin: germline.

Eurofins Ntd Llc (ga)
Classification: Uncertain significance. Last evaluated: 2016-01-22. Review status: criteria provided, single submitter. Criteria: EGL Classification Definitions 2015. Collection method: clinical testing. Allele origin: germline. Observed: 1 variant allele, 1 heterozygote.